The following is an entry in ClinVar:

ClinVar aggregate classification (germline): Uncertain significance (1 of 4 stars; one submission).

Conditions:
Leigh syndrome (NULS). Also called: Leigh's necrotizing encephalopathy; Leigh's disease; Leigh Syndrome (mtDNA deletion); Leigh Disease; Subacute necrotizing encephalopathy; Necrotizing encephalopathy infantile subacute of Leigh. Identifiers: Orphanet 506, MedGen C2931891, MONDO:0009723, OMIM 256000.

Submission:

Wong Mito Lab, Molecular and Human Genetics, Baylor College of Medicine
Classification: Uncertain significance for Leigh syndrome. Last evaluated: 2019-10-17. Review status: criteria provided, single submitter. Criteria: Modified ACMG Guidelines (Unpublished). Collection method: clinical testing. Allele origin: germline.
Comment: The NC_012920.1:m.9987T>C (YP_003024032.1:p.Ser261Pro) variant in MTCO3 gene is interpretated to be a Uncertain Significance variant based on the modified ACMG guidelines (unpublished). This variant meets the following evidence codes: no criteria

NC_012920.1(MT-CO3):m.9987T>C

Gene: MT-CO3 (mitochondrially encoded cytochrome c oxidase III; plus strand).
Variant type: single nucleotide variant.
Genome position: chrM-9987-T-C.
Identifiers: ClinVar variation 693258 (VCV000693258.1), dbSNP rs1603222609, ClinGen allele CA414804175.
Genomic context (GRCh38, chrMT:9,987, plus strand): 5'-TACTGGCATTTTGTAGATGTGGTTTGACTATTTCTGTATGTCTCCATCTATTGATGAGGG[T>C]CTTACTCTTTTAGTATAAATAGTACCGTTAACTTCCAATTAACTAGTTTTGACAACATTC-3'